The following is an entry in ClinVar:

ClinVar aggregate classification (germline): Uncertain significance (1 of 4 stars; one submission).

Allele frequency attached by ClinVar (database versions not stated): gnomAD exomes 0.00004; ExAC 0.00008; TOPMed 0.00008.

Submission:

Labcorp Genetics (formerly Invitae), Labcorp
Classification: Uncertain significance. Last evaluated: 2025-07-07. Review status: criteria provided, single submitter. Criteria: Invitae Variant Classification Sherloc (09022015). Collection method: clinical testing. Allele origin: germline.
Comment: This sequence change replaces methionine, which is neutral and non-polar, with isoleucine, which is neutral and non-polar, at codon 13 of the CYCS protein (p.Met13Ile). This variant is present in population databases (rs757774333, gnomAD 0.05%), and has an allele count higher than expected for a pathogenic variant. This variant has not been reported in the literature in individuals affected with CYCS-related conditions. ClinVar contains an entry for this variant (Variation ID: 2085933). An algorithm developed to predict the effect of missense changes on protein structure and function (PolyPhen-2) suggests that this variant is likely to be tolerated. In summary, the available evidence is currently insufficient to determine the role of this variant in disease. Therefore, it has been classified as a Variant of Uncertain Significance.

NM_018947.6(CYCS):c.39G>C (p.Met13Ile)

Gene: CYCS (cytochrome c, somatic; minus strand). Cytogenetic location: 7p15.3.
Variant type: single nucleotide variant.
Coding change: c.39G>C on transcript NM_018947.6 (MANE Select); coding-DNA position 39, G replaced by C.
Protein change: p.Met13Ile; replaces methionine 13 with isoleucine.
Molecular consequence: missense variant.
Genome position (GRCh38, 1-based): chr7:25,124,081, C>G on the plus strand (G>C on the coding strand, the complement: CYCS is on the minus strand). VCF-style: chr7-25124081-C-G. GRCh37 (hg19) VCF-style: chr7-25163700-C-G.
Other names: short protein forms M13I.
Identifiers: ClinVar variation 2085933 (VCV002085933.4), dbSNP rs757774333, ClinGen allele CA4192855.
Genomic context (GRCh38, chr7:25,124,081, plus strand): 5'-GAGATTTGGCCCAGTCTTGTGCTTGCCTCCCTTTTCAACGGTGTGGCACTGGGAACACTT[C>G]ATAATAAAAATCTTCTTGCCTTTCTCAACATCACCCATATTTAATTCTAAAAACGAAAGC-3'
Protein context (NP_061820.1, residues 3-23): DVEKGKKIFI[Met13Ile]KCSQCHTVEK